The following is an entry in ClinVar:

NM_006269.2(RP1):c.2363G>A (p.Gly788Glu)

Gene: RP1 (RP1 axonemal microtubule associated; plus strand). Cytogenetic location: 8q12.1.
Variant type: single nucleotide variant.
Coding change: c.2363G>A on transcript NM_006269.2 (MANE Select); coding-DNA position 2363, G replaced by A.
Protein change: p.Gly788Glu; replaces glycine 788 with glutamic acid.
Molecular consequence: missense variant. On other transcripts: intron variant (1).
Genome position (GRCh38, 1-based): chr8:54,626,245, G>A. VCF-style: chr8-54626245-G-A. GRCh37 (hg19) VCF-style: chr8-55538805-G-A.
Other names: c.787+3957G>A (NM_001375654.1); c.2363G>A (NM_006269.1); short protein forms G788E.
Identifiers: ClinVar variation 2721487 (VCV002721487.6), dbSNP rs149849388, ClinGen allele CA4751515.

ClinVar aggregate classification (germline): Uncertain significance. Review status: criteria provided, multiple submitters, no conflicts (2 of 4 stars). 4 submissions from 4 submitters: Uncertain significance (4). Last evaluated 2025-08-12.

Conditions:
RP1-related disorder. Also called: RP1-related condition.
Inborn genetic diseases. Identifiers: MedGen C0950123, MeSH D030342.

Allele frequency attached by ClinVar (database versions not stated): gnomAD 0.00008; TOPMed 0.00009.
gnomAD v4.1: 91 of 1,612,848 alleles (0.0056%); highest among the groups gnomAD compares: Non-Finnish European, 0.0074%; no homozygotes.

Submissions (4):

PreventionGenetics, part of Exact Sciences
Classification: Uncertain significance for RP1-related condition. Last evaluated: 2025-08-12. Review status: criteria provided, single submitter. Criteria: ACMG Guidelines, 2015. Collection method: clinical testing. Allele origin: germline.
Comment: The RP1 c.2363G>A variant is predicted to result in the amino acid substitution p.Gly788Glu. To our knowledge, this variant has not been reported in the literature. This variant is reported in 0.012% of alleles in individuals of European (Non-Finnish) descent in gnomAD. At this time, the clinical significance of this variant is uncertain due to the absence of conclusive functional and genetic evidence.

Ambry Genetics
Classification: Uncertain significance for Inborn genetic diseases. Last evaluated: 2023-12-17. Review status: criteria provided, single submitter. Criteria: Ambry Variant Classification Scheme 2023. Collection method: clinical testing. Allele origin: germline.

Labcorp Genetics (formerly Invitae), Labcorp
Classification: Uncertain significance. Last evaluated: 2023-09-25. Review status: criteria provided, single submitter. Criteria: Invitae Variant Classification Sherloc (09022015). Collection method: clinical testing. Allele origin: germline.
Comment: In summary, the available evidence is currently insufficient to determine the role of this variant in disease. Therefore, it has been classified as a Variant of Uncertain Significance. Algorithms developed to predict the effect of missense changes on protein structure and function output the following: SIFT: "Not Available"; PolyPhen-2: "Benign"; Align-GVGD: "Not Available". The glutamic acid amino acid residue is found in multiple mammalian species, which suggests that this missense change does not adversely affect protein function. This variant has not been reported in the literature in individuals affected with RP1-related conditions. This variant is present in population databases (rs149849388, gnomAD 0.01%). This sequence change replaces glycine, which is neutral and non-polar, with glutamic acid, which is acidic and polar, at codon 788 of the RP1 protein (p.Gly788Glu).

Blueprint Genetics
Classification: Uncertain significance. Last evaluated: 2021-12-01. Review status: criteria provided, single submitter. Criteria: ACMG Guidelines, 2015. Collection method: clinical testing. Allele origin: germline.